The following is an entry in ClinVar:

NM_001304438.2(TMEM132E):c.2125C>G (p.Leu709Val)

Gene: TMEM132E (transmembrane protein 132E; plus strand). Cytogenetic location: 17q12.
Variant type: single nucleotide variant.
Coding change: c.2125C>G on transcript NM_001304438.2 (MANE Select); coding-DNA position 2125, C replaced by G.
Protein change: p.Leu709Val; replaces leucine 709 with valine.
Molecular consequence: missense variant.
Genome position (GRCh38, 1-based): chr17:34,636,154, C>G. VCF-style: chr17-34636154-C-G. GRCh37 (hg19) VCF-style: chr17-32963173-C-G.
Other names: short protein forms L709V.
Identifiers: ClinVar variation 805611 (VCV000805611.4), dbSNP rs141863942, ClinGen allele CA8496899.
Genomic context (GRCh38, chr17:34,636,154, plus strand): 5'-CAGGTGGTGGCCAGCCTGGCCCTCTCCCTGCGGCCCAGCCCTGGGAGCAGCCACACCATC[C>G]TAGCCACCACAGCTGCCCAACAGACCTTGAGCTTCCTCAAGCAGGTAACTGGCTCCTTGG-3'
Protein context (NP_001291367.1, residues 699-719): RPSPGSSHTI[Leu709Val]ATTAAQQTLS

ClinVar aggregate classification (germline): Uncertain significance. Review status: criteria provided, multiple submitters, no conflicts (2 of 4 stars). 2 submissions from 2 submitters: Uncertain significance (2). Last evaluated 2022-07-27.

Allele frequency attached by ClinVar (database versions not stated): 1000 Genomes Project 30x 0.00047; 1000 Genomes Project 0.00060; gnomAD exomes 0.00080; ExAC 0.00090; gnomAD 0.00103 and 0.00105; TOPMed 0.00113; ESP Exome Variant Server 0.00138.
gnomAD v4.1: 2,302 of 1,566,218 alleles (0.15%); highest among the groups gnomAD compares: Non-Finnish European, 0.19%; 1 homozygote.

Submissions (2):

Labcorp Genetics (formerly Invitae), Labcorp
Classification: Uncertain significance. Last evaluated: 2022-07-27. Review status: criteria provided, single submitter. Criteria: Invitae Variant Classification Sherloc (09022015). Collection method: clinical testing. Allele origin: germline.
Comment: This sequence change replaces leucine, which is neutral and non-polar, with valine, which is neutral and non-polar, at codon 709 of the TMEM132E protein (p.Leu709Val). This variant is present in population databases (rs141863942, gnomAD 0.2%), and has an allele count higher than expected for a pathogenic variant. This variant has not been reported in the literature in individuals affected with TMEM132E-related conditions. ClinVar contains an entry for this variant (Variation ID: 805611). Algorithms developed to predict the effect of missense changes on protein structure and function are either unavailable or do not agree on the potential impact of this missense change (SIFT: "Tolerated"; PolyPhen-2: "Not Available"; Align-GVGD: "Class C0"). In summary, the available evidence is currently insufficient to determine the role of this variant in disease. Therefore, it has been classified as a Variant of Uncertain Significance.

Athena Diagnostics
Classification: Uncertain significance. Last evaluated: 2019-07-12. Review status: criteria provided, single submitter. Criteria: Athena Diagnostics Criteria. Collection method: clinical testing. Allele origin: germline.